The following is an entry in ClinVar:

ClinVar aggregate classification (germline): Uncertain significance (1 of 4 stars; one submission).

Allele frequency attached by ClinVar (database versions not stated): TOPMed below 0.00001; gnomAD 0.00001 and 0.00002.

Submission:

Labcorp Genetics (formerly Invitae), Labcorp
Classification: Uncertain significance. Last evaluated: 2024-04-17. Review status: criteria provided, single submitter. Criteria: Invitae Variant Classification Sherloc (09022015). Collection method: clinical testing. Allele origin: germline.
Comment: This sequence change replaces serine, which is neutral and polar, with asparagine, which is neutral and polar, at codon 138 of the NOG protein (p.Ser138Asn). This variant is not present in population databases (gnomAD no frequency). This variant has not been reported in the literature in individuals affected with NOG-related conditions. ClinVar contains an entry for this variant (Variation ID: 1353935). An algorithm developed to predict the effect of missense changes on protein structure and function (PolyPhen-2) suggests that this variant is likely to be tolerated. In summary, the available evidence is currently insufficient to determine the role of this variant in disease. Therefore, it has been classified as a Variant of Uncertain Significance.

NM_005450.6(NOG):c.413G>A (p.Ser138Asn)

Gene: NOG (noggin; plus strand). Cytogenetic location: 17q22.
Variant type: single nucleotide variant.
Coding change: c.413G>A on transcript NM_005450.6 (MANE Select); coding-DNA position 413, G replaced by A.
Protein change: p.Ser138Asn; replaces serine 138 with asparagine.
Molecular consequence: missense variant.
Genome position (GRCh38, 1-based): chr17:56,594,636, G>A. VCF-style: chr17-56594636-G-A. GRCh37 (hg19) VCF-style: chr17-54671997-G-A.
Other names: short protein forms S138N.
Identifiers: ClinVar variation 1353935 (VCV001353935.6), dbSNP rs1003152912, ClinGen allele CA292532901.